The following is an entry in ClinVar:

ClinVar aggregate classification (germline): Uncertain significance. Review status: criteria provided, multiple submitters, no conflicts (2 of 4 stars). 4 submissions from 4 submitters: Uncertain significance (4). Last evaluated 2026-01-13.

Conditions:
PLEC-related disorder. Also called: PLEC-related disorders; PLEC-related condition.
Epidermolysis bullosa simplex 5C, with pyloric atresia (EBS5C). Also called: PLEC-Related Epidermolysis Bullosa with Pyloric Atresia; PLEC1-Related Epidermolysis Bullosa with Pyloric Atresia; Epidermolysis bullosa simplex with pyloric atresia. Identifiers: Orphanet 158684, MedGen C2677349, MONDO:0012807, OMIM 612138.
Epidermolysis bullosa simplex, Ogna type (EBS5A). Also called: Pidermolysis bullosa simplex 5A, Ogna type; EPIDERMOLYSIS BULLOSA SIMPLEX 5A, OGNA TYPE. Identifiers: Orphanet 79401, MedGen C0432317, MONDO:0007555, OMIM 131950.
Epidermolysis bullosa simplex 5B, with muscular dystrophy (EBS5B). Also called: Epidermolysis bullosa simplex with muscular dystrophy; EPIDERMOLYSIS BULLOSA SIMPLEX AND LIMB-GIRDLE MUSCULAR DYSTROPHY. Identifiers: Orphanet 257, MedGen C2931072, MONDO:0009181, OMIM 226670.
Epidermolysis bullosa simplex with nail dystrophy (EBS5D). Identifiers: MedGen C4225309, MONDO:0014661, OMIM 616487.
Autosomal recessive limb-girdle muscular dystrophy type 2Q (LGMDR17). Also called: MUSCULAR DYSTROPHY, LIMB-GIRDLE, AUTOSOMAL RECESSIVE 17. Identifiers: Orphanet 254361, MedGen C3150989, MONDO:0013390, OMIM 613723.

Allele frequency attached by ClinVar (database versions not stated): ExAC below 0.00001; TOPMed 0.00001; gnomAD 0.00002; gnomAD exomes 0.00002 and 0.00003.
gnomAD v4.1: 46 of 1,546,166 alleles (0.003%); highest among the groups gnomAD compares: Non-Finnish European, 0.0033%; no homozygotes.

Submissions (4):

PreventionGenetics, part of Exact Sciences
Classification: Uncertain significance for PLEC-related condition. Last evaluated: 2026-01-13. Review status: criteria provided, single submitter. Criteria: ACMG Guidelines, 2015. Collection method: clinical testing. Allele origin: germline.
Comment: The PLEC c.7783C>T variant is predicted to result in the amino acid substitution p.Arg2595Cys. To our knowledge, this variant has not been reported in the literature. This variant is reported in 0.0055% of alleles in individuals of European (Non-Finnish) descent in gnomAD. At this time, the clinical significance of this variant is uncertain due to the absence of conclusive functional and genetic evidence.

Labcorp Genetics (formerly Invitae), Labcorp
Classification: Uncertain significance for Autosomal recessive limb-girdle muscular dystrophy type 2Q; Epidermolysis bullosa simplex, Ogna type; Epidermolysis bullosa simplex with nail dystrophy; Epidermolysis bullosa simplex 5C, with pyloric atresia; Epidermolysis bullosa simplex 5B, with muscular dystrophy. Last evaluated: 2025-03-13. Review status: criteria provided, single submitter. Criteria: Invitae Variant Classification Sherloc (09022015). Collection method: clinical testing. Allele origin: germline.
Comment: This sequence change replaces arginine, which is basic and polar, with cysteine, which is neutral and slightly polar, at codon 2595 of the PLEC protein (p.Arg2595Cys). This variant is present in population databases (rs782300712, gnomAD 0.006%). This variant has not been reported in the literature in individuals affected with PLEC-related conditions. ClinVar contains an entry for this variant (Variation ID: 595716). Invitae Evidence Modeling of protein sequence and biophysical properties (such as structural, functional, and spatial information, amino acid conservation, physicochemical variation, residue mobility, and thermodynamic stability) indicates that this missense variant is not expected to disrupt PLEC protein function with a negative predictive value of 80%. In summary, the available evidence is currently insufficient to determine the role of this variant in disease. Therefore, it has been classified as a Variant of Uncertain Significance.

Revvity Omics, Revvity
Classification: Uncertain significance. Last evaluated: 2022-01-17. Review status: criteria provided, single submitter. Criteria: ACMG Guidelines, 2015. Collection method: clinical testing. Allele origin: germline.

Eurofins Ntd Llc (ga)
Classification: Uncertain significance. Last evaluated: 2018-01-11. Review status: criteria provided, single submitter. Criteria: EGL Classification Definitions 2015. Collection method: clinical testing. Allele origin: germline. Observed: 1 variant allele, 1 heterozygote.

NM_201384.3(PLEC):c.7702C>T (p.Arg2568Cys)

Gene: PLEC (plectin; minus strand). Cytogenetic location: 8q24.3.
Variant type: single nucleotide variant.
Coding change: c.7702C>T on transcript NM_201384.3 (MANE Select); coding-DNA position 7702, C replaced by T.
Protein change: p.Arg2568Cys; replaces arginine 2568 with cysteine.
Molecular consequence: missense variant.
Genome position (GRCh38, 1-based): chr8:143,922,119, G>A on the plus strand (C>T on the coding strand, the complement: PLEC is on the minus strand). VCF-style: chr8-143922119-G-A. GRCh37 (hg19) VCF-style: chr8-144996287-G-A.
Other names: c.7660C>T, p.Arg2554Cys (NM_201378.4); c.7636C>T, p.Arg2546Cys (NM_201379.3); c.8113C>T, p.Arg2705Cys (NM_201380.4); c.7606C>T, p.Arg2536Cys (NM_201381.3); c.7702C>T, p.Arg2568Cys (NM_201382.4); c.7714C>T, p.Arg2572Cys (NM_201383.3); c.7783C>T (NM_000445.4); c.7783C>T, p.Arg2595Cys (NM_000445.5); short protein forms R2595C, R2536C, R2546C, R2554C, R2705C, R2568C, R2572C.
Identifiers: ClinVar variation 595716 (VCV000595716.16), dbSNP rs782300712, ClinGen allele CA4925539.